The following is an entry in ClinVar:

ClinVar aggregate classification (germline): Uncertain significance. Review status: criteria provided, multiple submitters, no conflicts (2 of 4 stars). 9 submissions from 6 submitters: Uncertain significance (9). Last evaluated 2026-01-27.

Conditions:
Basal laminar drusen. Also called: DRUSEN OF BRUCH MEMBRANE; DRUSEN, CUTICULAR; DRUSEN, EARLY ADULT-ONSET, GROUPED. Identifiers: Orphanet 75376, MedGen C0730295, MONDO:0007472, OMIM 126700.
Factor H deficiency (CFHD). Also called: CFH DEFICIENCY; COMPLEMENT FACTOR H DEFICIENCY. Identifiers: Orphanet 200421, MedGen C0398777, MONDO:0012350, OMIM 609814.
Age related macular degeneration 4. Identifiers: MedGen C1853147, MONDO:0012540, OMIM 610698.
Hemolytic uremic syndrome, atypical, susceptibility to, 1. Also called: AHUS, SUSCEPTIBILITY TO, 1. Identifiers: Orphanet 2134, Orphanet 90038, MedGen C2749604, MONDO:0009335, OMIM 235400. Disease mechanism: Other.
Inborn genetic diseases. Identifiers: MedGen C0950123, MeSH D030342.

Allele frequency attached by ClinVar (database versions not stated): gnomAD exomes 0.00002; ExAC 0.00004; gnomAD 0.00004; TOPMed 0.00006.
gnomAD v4.1: 11 of 1,612,400 alleles (0.00068%); highest among the groups gnomAD compares: African/African-American, 0.013%; no homozygotes.

Submissions (9):

Women's Health and Genetics/Laboratory Corporation of America, LabCorp
Classification: Uncertain significance. Last evaluated: 2026-01-27. Review status: criteria provided, single submitter. Criteria: LabCorp Variant Classification Summary - May 2015. Collection method: clinical testing. Allele origin: germline.
Comment: Variant summary: CFH c.565G>A (p.Glu189Lys) results in a conservative amino acid change in the encoded protein sequence. Algorithms developed to predict the effect of missense changes on protein structure and function are either unavailable or do not agree on the potential impact of this missense change. The variant allele was found at a frequency of 2e-05 in 250840 control chromosomes. The available data on variant occurrences in the general population are insufficient to allow any conclusion about variant significance. To our knowledge, no occurrence of c.565G>A in individuals affected with CFH-related conditions and no experimental evidence demonstrating its impact on protein function have been reported. ClinVar contains an entry for this variant (Variation ID: 1355349). Based on the evidence outlined above, the variant was classified as uncertain significance.

Mayo Clinic Laboratories, Mayo Clinic
Classification: Uncertain significance. Last evaluated: 2025-03-03. Review status: criteria provided, single submitter. Criteria: ACMG Guidelines, 2015. Collection method: clinical testing. Allele origin: germline. Observed: 1 variant allele.
Comment: BP4, PM2_supporting

Labcorp Genetics (formerly Invitae), Labcorp
Classification: Uncertain significance. Last evaluated: 2024-09-29. Review status: criteria provided, single submitter. Criteria: Invitae Variant Classification Sherloc (09022015). Collection method: clinical testing. Allele origin: germline.
Comment: This sequence change replaces glutamic acid, which is acidic and polar, with lysine, which is basic and polar, at codon 189 of the CFH protein (p.Glu189Lys). This variant is present in population databases (rs121913054, gnomAD 0.03%). This variant has not been reported in the literature in individuals affected with CFH-related conditions. ClinVar contains an entry for this variant (Variation ID: 1355349). An algorithm developed to predict the effect of missense changes on protein structure and function (PolyPhen-2) suggests that this variant is likely to be disruptive. In summary, the available evidence is currently insufficient to determine the role of this variant in disease. Therefore, it has been classified as a Variant of Uncertain Significance.

Ambry Genetics
Classification: Uncertain significance for Inborn genetic diseases. Last evaluated: 2024-03-19. Review status: criteria provided, single submitter. Criteria: Ambry Variant Classification Scheme 2023. Collection method: clinical testing. Allele origin: germline.

Fulgent Genetics
Classification: Uncertain significance for Basal laminar drusen; Hemolytic uremic syndrome, atypical, susceptibility to, 1; Factor H deficiency; Age related macular degeneration 4. Last evaluated: 2024-02-09. Review status: criteria provided, single submitter. Criteria: ACMG Guidelines, 2015. Collection method: clinical testing. Allele origin: germline.

Genome-Nilou Lab
Classification: Uncertain significance for Hemolytic uremic syndrome, atypical, susceptibility to, 1. Last evaluated: 2023-04-11. Review status: criteria provided, single submitter. Criteria: ACMG Guidelines, 2015. Collection method: clinical testing. Allele origin: germline. Affected: no.

Genome-Nilou Lab
Classification: Uncertain significance for Age related macular degeneration 4. Last evaluated: 2023-04-11. Review status: criteria provided, single submitter. Criteria: ACMG Guidelines, 2015. Collection method: clinical testing. Allele origin: germline. Affected: no.

Genome-Nilou Lab
Classification: Uncertain significance for Basal laminar drusen. Last evaluated: 2023-04-11. Review status: criteria provided, single submitter. Criteria: ACMG Guidelines, 2015. Collection method: clinical testing. Allele origin: germline. Affected: no.

Genome-Nilou Lab
Classification: Uncertain significance for Factor H deficiency. Last evaluated: 2023-04-11. Review status: criteria provided, single submitter. Criteria: ACMG Guidelines, 2015. Collection method: clinical testing. Allele origin: germline. Affected: no.

NM_000186.4(CFH):c.565G>A (p.Glu189Lys)

Gene: CFH (complement factor H; plus strand). Cytogenetic location: 1q31.3.
Variant type: single nucleotide variant.
Coding change: c.565G>A on transcript NM_000186.4 (MANE Select); coding-DNA position 565, G replaced by A.
Protein change: p.Glu189Lys; replaces glutamic acid 189 with lysine.
Molecular consequence: missense variant.
Genome position (GRCh38, 1-based): chr1:196,677,613, G>A. VCF-style: chr1-196677613-G-A. GRCh37 (hg19) VCF-style: chr1-196646743-G-A.
Other names: p.Glu189Lys; c.565G>A, p.Glu189Lys (NM_001014975.3); c.565G>A (NM_000186.3); short protein forms E189K.
Identifiers: ClinVar variation 1355349 (VCV001355349.14), dbSNP rs121913054, ClinGen allele CA1305090.